The following is an entry in ClinVar:

ClinVar aggregate classification (germline): Likely benign (1 of 4 stars; one submission).

gnomAD v4.1: 426 of 1,614,254 alleles (0.026%); highest among the groups gnomAD compares: Middle Eastern, 0.26%; no homozygotes.

Submission:

CeGaT Center for Human Genetics Tuebingen
Classification: Likely benign. Last evaluated: 2026-04-01. Review status: criteria provided, single submitter. Criteria: CeGaT Center For Human Genetics Tuebingen Variant Classification Criteria Version 2. Collection method: clinical testing. Allele origin: germline. Affected: yes. Observed: 1 variant allele.
Comment: ADGRE5: BP4, BP7

NM_078481.4(ADGRE5):c.354C>T (p.Asp118=)

Gene: ADGRE5 (adhesion G protein-coupled receptor E5; plus strand). Cytogenetic location: 19p13.12.
Variant type: single nucleotide variant.
Coding change: c.354C>T on transcript NM_078481.4 (MANE Select); coding-DNA position 354, C replaced by T.
Protein change: p.Asp118=; no amino-acid change (aspartic acid 118 retained).
Molecular consequence: synonymous variant. On other transcripts: intron variant (1).
Genome position (GRCh38, 1-based): chr19:14,396,349, C>T. VCF-style: chr19-14396349-C-T. GRCh37 (hg19) VCF-style: chr19-14507161-C-T.
Other names: c.354C>T, p.Asp118= (NM_001025160.3); c.347-1309C>T (NM_001784.6).
Identifiers: ClinVar variation 4871988 (VCV004871988.2).